The following is an entry in ClinVar:

ClinVar aggregate classification (germline): Uncertain significance (1 of 4 stars; one submission).

Conditions:
Long QT syndrome (LQTS). Identifiers: MedGen C0023976, MeSH D008133, MONDO:0002442. Disease mechanism: loss of function. Inheritance: Various modes of inheritance.

Allele frequency attached by ClinVar (database versions not stated): gnomAD exomes below 0.00001.
gnomAD v4.1: 2 of 1,562,446 alleles (0.00013%); highest among the groups gnomAD compares: East Asian, 0.0024%; no homozygotes.

Submission:

Labcorp Genetics (formerly Invitae), Labcorp
Classification: Uncertain significance for Long QT syndrome. Last evaluated: 2022-02-18. Review status: criteria provided, single submitter. Criteria: Invitae Variant Classification Sherloc (09022015). Collection method: clinical testing. Allele origin: germline.
Comment: This sequence change replaces glycine, which is neutral and non-polar, with aspartic acid, which is acidic and polar, at codon 947 of the KCNH2 protein (p.Gly947Asp). The frequency data for this variant in the population databases is considered unreliable, as metrics indicate poor data quality at this position in the gnomAD database. This variant has not been reported in the literature in individuals affected with KCNH2-related conditions. Algorithms developed to predict the effect of missense changes on protein structure and function are either unavailable or do not agree on the potential impact of this missense change (SIFT: "Tolerated"; PolyPhen-2: "Possibly Damaging"; Align-GVGD: "Class C0"). In summary, the available evidence is currently insufficient to determine the role of this variant in disease. Therefore, it has been classified as a Variant of Uncertain Significance.

NM_000238.4(KCNH2):c.2840G>A (p.Gly947Asp)

Gene: KCNH2 (potassium voltage-gated channel subfamily H member 2; minus strand). Cytogenetic location: 7q36.1.
Variant type: single nucleotide variant.
Coding change: c.2840G>A on transcript NM_000238.4 (MANE Select); coding-DNA position 2840, G replaced by A.
Protein change: p.Gly947Asp; replaces glycine 947 with aspartic acid.
Molecular consequence: missense variant.
Genome position (GRCh38, 1-based): chr7:150,947,731, C>T on the plus strand (G>A on the coding strand, the complement: KCNH2 is on the minus strand). VCF-style: chr7-150947731-C-T. GRCh37 (hg19) VCF-style: chr7-150644819-C-T.
Other names: c.2552G>A, p.Gly851Asp (NM_001406753.1); c.1820G>A, p.Gly607Asp (NM_172057.3); short protein forms G851D, G947D, G607D.
Identifiers: ClinVar variation 1910559 (VCV001910559.5), dbSNP rs1357683885, ClinGen allele CA369853286.